The following is an entry in ClinVar:

NC_000016.10:g.67660370G>A

Genes: ACD (ACD shelterin complex subunit and telomerase recruitment factor; minus strand), LOC130059224 (ATAC-STARR-seq lymphoblastoid silent region 7617; plus strand). Cytogenetic location: 16q22.1.
Variant type: single nucleotide variant.
Genome position: GRCh38 VCF-style: chr16-67660370-G-A. GRCh37 (hg19) VCF-style: chr16-67694273-G-A.
Other names: short protein forms R37C.
Identifiers: ClinVar variation 1422105 (VCV001422105.8), dbSNP rs748543340, ClinGen allele CA8114907.
Genomic context (GRCh38, chr16:67,660,370, plus strand): 5'-CTGGGCGGGGCCGGAGGAGGAGGCCCCGCCCACGTACACCCCGCGCCTGCGCACGAGGGC[G>A]TCCTGCTCGGGGGCCTGTGTGCAGACTCCCGCTGGTCCACCCCGCTGGTGCACGGGATGC-3'

ClinVar aggregate classification (germline): Uncertain significance. Review status: criteria provided, multiple submitters, no conflicts (2 of 4 stars). 2 submissions from 2 submitters: Uncertain significance (2). Last evaluated 2025-04-28.

Conditions:
Dyskeratosis congenita, autosomal dominant 6 (DKCA6). Identifiers: Orphanet 3322, MedGen C4225284, MONDO:0014690, OMIM 616553.
Inborn genetic diseases. Identifiers: MedGen C0950123, MeSH D030342.

Allele frequency attached by ClinVar (database versions not stated): ExAC 0.00001.

Submissions (2):

Labcorp Genetics (formerly Invitae), Labcorp
Classification: Uncertain significance for Dyskeratosis congenita, autosomal dominant 6. Last evaluated: 2025-04-28. Review status: criteria provided, single submitter. Criteria: Invitae Variant Classification Sherloc (09022015). Collection method: clinical testing. Allele origin: germline.
Comment: This sequence change replaces arginine, which is basic and polar, with cysteine, which is neutral and slightly polar, at codon 37 of the ACD protein (p.Arg37Cys). This variant is present in population databases (rs748543340, gnomAD 0.01%). This variant has not been reported in the literature in individuals affected with ACD-related conditions. ClinVar contains an entry for this variant (Variation ID: 1422105). An algorithm developed to predict the effect of missense changes on protein structure and function outputs the following: PolyPhen-2: "Benign". The cysteine amino acid residue is found in multiple mammalian species, which suggests that this missense change does not adversely affect protein function. In summary, the available evidence is currently insufficient to determine the role of this variant in disease. Therefore, it has been classified as a Variant of Uncertain Significance.

Ambry Genetics
Classification: Uncertain significance for Inborn genetic diseases. Last evaluated: 2023-06-03. Review status: criteria provided, single submitter. Criteria: Ambry Variant Classification Scheme 2023. Collection method: clinical testing. Allele origin: germline.
Comment: The p.R37C variant (also known as c.109C>T), located in coding exon 1 of the ACD gene, results from a C to T substitution at nucleotide position 109. The arginine at codon 37 is replaced by cysteine, an amino acid with highly dissimilar properties. This amino acid position is conserved. In addition, this alteration is predicted to be tolerated by in silico analysis. Since supporting evidence is limited at this time, the clinical significance of this alteration remains unclear.